The following is an entry in ClinVar:

NM_198578.4(LRRK2):c.5799A>T (p.Ile1933=)

Gene: LRRK2 (leucine rich repeat kinase 2; plus strand). Cytogenetic location: 12q12.
Variant type: single nucleotide variant.
Coding change: c.5799A>T on transcript NM_198578.4 (MANE Select); coding-DNA position 5799, A replaced by T.
Protein change: p.Ile1933=; no amino-acid change (isoleucine 1933 retained).
Molecular consequence: synonymous variant.
Genome position (GRCh38, 1-based): chr12:40,335,008, A>T. VCF-style: chr12-40335008-A-T. GRCh37 (hg19) VCF-style: chr12-40728810-A-T.
Identifiers: ClinVar variation 883636 (VCV000883636.47), dbSNP rs139746572, ClinGen allele CA6514547.
Genomic context (GRCh38, chr12:40,335,008, plus strand): 5'-TGATTTTGGACTTTTGCAGGAGCTTGTGGTGCTTTGCCACCTCCACCACCCCAGTTTGAT[A>T]TCTTTGCTGGCAGCTGGGATTCGTCCCCGGATGTTGGTGATGGAGTTAGCCTCCAAGGGT-3'
Protein context (NP_940980.4, residues 1923-1943): VLCHLHHPSL[Ile1933=]SLLAAGIRPR

ClinVar aggregate classification (germline): Conflicting classifications of pathogenicity. Review status: criteria provided, conflicting classifications (1 of 4 stars). 4 submissions from 4 submitters: Uncertain significance (1); Likely benign (3). Last evaluated 2025-12-01.

Conditions:
Autosomal dominant Parkinson disease 8. Also called: LRRK2-Related Parkinson Disease; Parkinson disease 8; Parkinson disease 8, susceptibility to. Identifiers: Orphanet 411602, MedGen C1846862, MONDO:0011764, OMIM 607060.
Inborn genetic diseases. Identifiers: MedGen C0950123, MeSH D030342.

Allele frequency attached by ClinVar (database versions not stated): gnomAD exomes 0.00018 and 0.00020; TOPMed 0.00019; ExAC 0.00021; gnomAD 0.00021; ESP Exome Variant Server 0.00038.
gnomAD v4.1: 328 of 1,613,934 alleles (0.02%); highest among the groups gnomAD compares: Non-Finnish European, 0.027%; no homozygotes.

Submissions (4):

Labcorp Genetics (formerly Invitae), Labcorp
Classification: Likely benign for Autosomal dominant Parkinson disease 8. Last evaluated: 2025-12-01. Review status: criteria provided, single submitter. Criteria: Invitae Variant Classification Sherloc (09022015). Collection method: clinical testing. Allele origin: germline.

CeGaT Center for Human Genetics Tuebingen
Classification: Likely benign. Last evaluated: 2023-01-01. Review status: criteria provided, single submitter. Criteria: CeGaT Center For Human Genetics Tuebingen Variant Classification Criteria Version 2. Collection method: clinical testing. Allele origin: germline. Affected: yes. Observed: 3 variant alleles.
Comment: LRRK2: BP4, BP7

Ambry Genetics
Classification: Likely benign for Inborn genetic diseases. Last evaluated: 2022-02-15. Review status: criteria provided, single submitter. Criteria: Ambry Variant Classification Scheme 2023. Collection method: clinical testing. Allele origin: germline.

Illumina Laboratory Services, Illumina
Classification: Uncertain significance for Autosomal dominant Parkinson disease 8. Last evaluated: 2017-04-27. Review status: criteria provided, single submitter. Criteria: ICSL Variant Classification Criteria 13 December 2019. Collection method: clinical testing. Allele origin: germline.